The following is an entry in ClinVar:

NM_153252.5(BRWD3):c.3785G>A (p.Arg1262Gln)

Gene: BRWD3 (bromodomain and WD repeat domain containing 3; minus strand). Cytogenetic location: Xq21.1.
Variant type: single nucleotide variant.
Coding change: c.3785G>A on transcript NM_153252.5 (MANE Select); coding-DNA position 3785, G replaced by A.
Protein change: p.Arg1262Gln; replaces arginine 1262 with glutamine.
Molecular consequence: missense variant.
Genome position (GRCh38, 1-based): chrX:80,689,790, C>T on the plus strand (G>A on the coding strand, the complement: BRWD3 is on the minus strand). VCF-style: chrX-80689790-C-T. GRCh37 (hg19) VCF-style: chrX-79945289-C-T.
Other names: short protein forms R1262Q.
Identifiers: ClinVar variation 2634243 (VCV002634243.3), dbSNP rs775682673, ClinGen allele CA10461781.

ClinVar aggregate classification (germline): Conflicting classifications of pathogenicity. Review status: criteria provided, conflicting classifications (1 of 4 stars). 2 submissions from 2 submitters: Uncertain significance (1); Benign (1). Last evaluated 2024-12-12.

Conditions:
BRWD3-related disorder. Also called: BRWD3-related condition.

Allele frequency attached by ClinVar (database versions not stated): TOPMed below 0.00001; gnomAD 0.00001; gnomAD exomes 0.00002; ExAC 0.00003.
gnomAD v4.1: 24 of 1,200,573 alleles (0.002%); highest among the groups gnomAD compares: East Asian, 0.018%; no homozygotes.

Submissions (2):

Labcorp Genetics (formerly Invitae), Labcorp
Classification: Benign. Last evaluated: 2024-12-12. Review status: criteria provided, single submitter. Criteria: Invitae Variant Classification Sherloc (09022015). Collection method: clinical testing. Allele origin: germline.

PreventionGenetics, part of Exact Sciences
Classification: Uncertain significance for BRWD3-related condition. Last evaluated: 2022-09-21. Review status: criteria provided, single submitter. Criteria: ACMG Guidelines, 2015. Collection method: clinical testing. Allele origin: germline.
Comment: The BRWD3 c.3785G>A variant is predicted to result in the amino acid substitution p.Arg1262Gln. To our knowledge, this variant has not been reported in the literature. This variant is reported in 0.034% of alleles in individuals of East Asian descent in gnomAD, including 4 hemizygous observations. Although we suspect that this variant may be benign, at this time, the clinical significance of this variant is uncertain due to the absence of conclusive functional and genetic evidence.